The following is an entry in ClinVar:

NM_176824.3(BBS7):c.258A>G (p.Ala86=)

Gene: BBS7 (Bardet-Biedl syndrome 7; minus strand). Cytogenetic location: 4q27.
Variant type: single nucleotide variant.
Coding change: c.258A>G on transcript NM_176824.3 (MANE Select); coding-DNA position 258, A replaced by G.
Protein change: p.Ala86=; no amino-acid change (alanine 86 retained).
Molecular consequence: synonymous variant.
Genome position (GRCh38, 1-based): chr4:121,861,587, T>C on the plus strand (A>G on the coding strand, the complement: BBS7 is on the minus strand). VCF-style: chr4-121861587-T-C. GRCh37 (hg19) VCF-style: chr4-122782742-T-C.
Other names: c.258A>G, p.Ala86= (NM_018190.4); c.258A>G (NM_176824.2).
Identifiers: ClinVar variation 2865632 (VCV002865632.4), dbSNP rs2476564530, ClinGen allele CA440912405.

ClinVar aggregate classification (germline): Likely benign. Review status: criteria provided, multiple submitters, no conflicts (2 of 4 stars). 2 submissions from 2 submitters: Likely benign (2). Last evaluated 2025-03-07.

Conditions:
BBS7-related disorder. Also called: BBS7-related condition.
Bardet-Biedl syndrome (BBS). Identifiers: Orphanet 110, MedGen C0752166, MONDO:0015229.

Allele frequency attached by ClinVar (database versions not stated): gnomAD exomes below 0.00001.
gnomAD v4.1: 2 of 1,613,892 alleles (0.00012%); highest among the groups gnomAD compares: South Asian, 0.0011%; no homozygotes.

Submissions (2):

PreventionGenetics, part of Exact Sciences
Classification: Likely benign for BBS7-related condition. Last evaluated: 2025-03-07. Review status: criteria provided, single submitter. Criteria: ACMG Guidelines, 2015. Collection method: clinical testing. Allele origin: germline.
Comment: This variant is classified as likely benign based on ACMG/AMP sequence variant interpretation guidelines (Richards et al. 2015 PMID: 25741868, with internal and published modifications).

Labcorp Genetics (formerly Invitae), Labcorp
Classification: Likely benign for Bardet-Biedl syndrome. Last evaluated: 2023-05-19. Review status: criteria provided, single submitter. Criteria: Invitae Variant Classification Sherloc (09022015). Collection method: clinical testing. Allele origin: germline.